The following is an entry in ClinVar:

ClinVar aggregate classification (germline): Likely pathogenic (1 of 4 stars; one submission).

Submission:

ISCA site 4
Classification: Likely pathogenic. Last evaluated: 2017-09-01. Review status: criteria provided, single submitter. Criteria: Kaminsky et al. (Genet Med. 2011). Collection method: clinical testing. Allele origin: unknown. Affected: yes. Observed: 1 variant allele.
Comment: Copy number variation identified through the course of routine clinical cytogenomic testing in postnatal populations. Clinical assertions have been curated as described in Kaminsky et al. 2011.

GRCh38/hg38 2q22.3-23.1(chr2:147713771-148177277)x1

Genes: ACVR2A (activin A receptor type 2A; plus strand), MBD5 (methyl-CpG binding domain protein 5; plus strand), ORC4 (origin recognition complex subunit 4; minus strand), LOC126806366 (P300/CBP strongly-dependent group 1 enhancer GRCh37_chr2:148765513-148766712; plus strand), LOC129934884 (ATAC-STARR-seq lymphoblastoid silent region 11995; plus strand) and 4 more. Cytogenetic location: 2q22.3-23.1.
Variant type: copy number loss.
Change: copy number 1 (one copy instead of two) of chr2:147,713,771-148,177,277 (463.5 kb, GRCh38 coordinates, 1-based), cytogenetic band 2q22.3-23.1.
Identifiers: ClinVar variation 57146 (VCV000057146.2).